The following is an entry in ClinVar:

NM_001374675.1(HSF4):c.442G>A (p.Gly148Arg)

Gene: HSF4 (heat shock transcription factor 4; plus strand). Cytogenetic location: 16q22.1.
Variant type: single nucleotide variant.
Coding change: c.442G>A on transcript NM_001374675.1 (MANE Select); coding-DNA position 442, G replaced by A.
Protein change: p.Gly148Arg; replaces glycine 148 with arginine.
Molecular consequence: missense variant.
Genome position (GRCh38, 1-based): chr16:67,166,027, G>A. VCF-style: chr16-67166027-G-A. GRCh37 (hg19) VCF-style: chr16-67199930-G-A.
Other names: c.442G>A, p.Gly148Arg (NM_001040667.3, NM_001374674.1, NM_001538.4); short protein forms G148R.
Identifiers: ClinVar variation 567874 (VCV000567874.9), dbSNP rs1567668765, ClinGen allele CA396265622.

ClinVar aggregate classification (germline): Uncertain significance (1 of 4 stars; one submission).

Conditions:
Cataract 5 multiple types (CTRCT5). Also called: Lamellar cataract; CATARACT 5, LAMELLAR; CATARACT, MARNER TYPE. Identifiers: Orphanet 91492, MedGen C0266537, MONDO:0007290, OMIM 116800, HP:0007971.

Submission:

Labcorp Genetics (formerly Invitae), Labcorp
Classification: Uncertain significance for Cataract 5 multiple types. Last evaluated: 2018-07-16. Review status: criteria provided, single submitter. Criteria: Invitae Variant Classification Sherloc (09022015). Collection method: clinical testing. Allele origin: germline.
Comment: In summary, the available evidence is currently insufficient to determine the role of this variant in disease. Therefore, it has been classified as a Variant of Uncertain Significance. Algorithms developed to predict the effect of missense changes on protein structure and function do not agree on the potential impact of this missense change (SIFT: "Tolerated"; PolyPhen-2: "Probably Damaging"; Align-GVGD: "Class C0"). This variant has not been reported in the literature in individuals with HSF4-related disease. While this variant is not present in population databases, the frequency information is unreliable, as metrics indicate poor data quality at this position in the ExAC database. This sequence change replaces glycine with arginine at codon 148 of the HSF4 protein (p.Gly148Arg). The glycine residue is moderately conserved and there is a moderate physicochemical difference between glycine and arginine.